The following is an entry in ClinVar:

NM_015629.4(PRPF31):c.1034C>T (p.Ala345Val)

Gene: PRPF31 (pre-mRNA processing factor 31; plus strand). Cytogenetic location: 19q13.42.
Variant type: single nucleotide variant.
Coding change: c.1034C>T on transcript NM_015629.4 (MANE Select); coding-DNA position 1034, C replaced by T.
Protein change: p.Ala345Val; replaces alanine 345 with valine.
Molecular consequence: missense variant.
Genome position (GRCh38, 1-based): chr19:54,128,161, C>T. VCF-style: chr19-54128161-C-T. GRCh37 (hg19) VCF-style: chr19-54631536-C-T.
Other names: short protein forms A345V.
Identifiers: ClinVar variation 866011 (VCV000866011.7), dbSNP rs766301461, ClinGen allele CA309329295.
Genomic context (GRCh38, chr19:54,128,161, plus strand): 5'-AGCGCAAATTCGACAAGTGGCAGGAGCCGCCGCCTGTGAAGCAGGTGAAGCCGCTGCCTG[C>T]GCCCCTGGATGGACAGCGGAAGAAGCGAGGCGGCCGCAGGTGAGGGGCCCTGGGGGTCCG-3'
Protein context (NP_056444.3, residues 335-355): PPVKQVKPLP[Ala345Val]PLDGQRKKRG

ClinVar aggregate classification (germline): Uncertain significance. Review status: criteria provided, multiple submitters, no conflicts (2 of 4 stars). 2 submissions from 2 submitters: Uncertain significance (2). Last evaluated 2021-12-19.

Allele frequency attached by ClinVar (database versions not stated): gnomAD 0.00001; gnomAD exomes 0.00001 and 0.00003; TOPMed 0.00002; ExAC 0.00009.

Submissions (2):

Labcorp Genetics (formerly Invitae), Labcorp
Classification: Uncertain significance. Last evaluated: 2021-12-19. Review status: criteria provided, single submitter. Criteria: Invitae Variant Classification Sherloc (09022015). Collection method: clinical testing. Allele origin: germline.
Comment: In summary, the available evidence is currently insufficient to determine the role of this variant in disease. Therefore, it has been classified as a Variant of Uncertain Significance. Algorithms developed to predict the effect of missense changes on protein structure and function (SIFT, PolyPhen-2, Align-GVGD) all suggest that this variant is likely to be tolerated. ClinVar contains an entry for this variant (Variation ID: 866011). This variant has not been reported in the literature in individuals affected with PRPF31-related conditions. The frequency data for this variant in the population databases is considered unreliable, as metrics indicate poor data quality at this position in the gnomAD database. This sequence change replaces alanine, which is neutral and non-polar, with valine, which is neutral and non-polar, at codon 345 of the PRPF31 protein (p.Ala345Val).

Blueprint Genetics
Classification: Uncertain significance. Last evaluated: 2021-10-18. Review status: criteria provided, single submitter. Criteria: ACMG Guidelines, 2015. Collection method: clinical testing. Allele origin: germline.